The following is an entry in ClinVar:

NM_007294.4(BRCA1):c.3550G>T (p.Gly1184Ter)

Genes: BRCA1 (BRCA1 DNA repair associated; minus strand), LOC126862571 (BRD4-independent group 4 enhancer GRCh37_chr17:41243136-41244335; plus strand). Cytogenetic location: 17q21.31.
Variant type: single nucleotide variant.
Coding change: c.3550G>T on transcript NM_007294.4 (MANE Select); coding-DNA position 3550, G replaced by T.
Protein change: p.Gly1184Ter; replaces glycine 1184 with a stop codon.
Molecular consequence: nonsense. On other transcripts: intron variant (135).
Genome position (GRCh38, 1-based): chr17:43,091,981, C>A on the plus strand (G>T on the coding strand, the complement: BRCA1 is on the minus strand). VCF-style: chr17-43091981-C-A. GRCh37 (hg19) VCF-style: chr17-41243998-C-A.
Other names: c.644-949G>T (NM_001408470.1, NM_001408464.1, NM_001408468.1 and 3 more transcripts); c.647-949G>T (NM_001408469.1, NM_001408453.1, NM_001408461.1 and 11 more transcripts); c.785-949G>T (NM_001408397.1, NM_001408401.1, NM_001408396.1 and 13 more transcripts); c.584-949G>T (NM_001408475.1); c.710-949G>T (NM_001408412.1, NM_001408409.1, NM_001408414.1 and 2 more transcripts); c.452-949G>T (NM_001408509.1, NM_001408508.1); c.788-949G>T (NM_001407980.1, NM_001407993.1, NM_001407976.1 and 17 more transcripts); c.665-949G>T (NM_001408436.1, NM_001408444.1, NM_001408438.1 and 12 more transcripts); and 41 more; short protein forms G1073*, G1114*, G1137*, G1183*, G1016*, G1095*, G1117*, G1142*.
Identifiers: ClinVar variation 1732595 (VCV001732595.2), dbSNP rs1472194405, ClinGen allele CA10594864.
Genomic context (GRCh38, chr17:43,091,981, plus strand): 5'-TTCGGTAACCCTGAGCCAAATGTGTATGGGTGAAAGGGCTAGGACTCCTGCTAAGCTCTC[C>A]TTTCTGGACGCTTTTGCTAAAAACAGCAGAACTTTCCTTAATGTCATTTTCAGCAAAACT-3'

ClinVar aggregate classification (germline): Pathogenic (1 of 4 stars; one submission).

Conditions:
Hereditary cancer-predisposing syndrome. Also called: Neoplastic Syndromes, Hereditary; Tumor predisposition; Hereditary Cancer Syndrome; Hereditary neoplastic syndrome. Identifiers: Orphanet 140162, MedGen C0027672, MeSH D009386, MONDO:0015356.

Submission:

Ambry Genetics
Classification: Pathogenic for Hereditary cancer-predisposing syndrome. Last evaluated: 2022-05-27. Review status: criteria provided, single submitter. Criteria: Ambry Variant Classification Scheme 2023. Collection method: clinical testing. Allele origin: germline.
Comment: The p.G1184* pathogenic mutation (also known as c.3550G>T), located in coding exon 9 of the BRCA1 gene, results from a G to T substitution at nucleotide position 3550. This changes the amino acid from a glycine to a stop codon within coding exon 9. This alteration is expected to result in loss of function by premature protein truncation or nonsense-mediated mRNA decay. As such, this alteration is interpreted as a disease-causing mutation.